The following is an entry in ClinVar:

NM_001368882.1(COL13A1):c.754G>A (p.Glu252Lys)

Gene: COL13A1 (collagen type XIII alpha 1 chain; plus strand). Cytogenetic location: 10q22.1.
Variant type: single nucleotide variant.
Coding change: c.754G>A on transcript NM_001368882.1 (MANE Select); coding-DNA position 754, G replaced by A.
Protein change: p.Glu252Lys; replaces glutamic acid 252 with lysine.
Molecular consequence: missense variant.
Genome position (GRCh38, 1-based): chr10:69,902,751, G>A. VCF-style: chr10-69902751-G-A. GRCh37 (hg19) VCF-style: chr10-71662507-G-A.
Other names: p.Glu262Lys; c.784G>A, p.Glu262Lys (NM_001130103.2); c.754G>A, p.Glu252Lys (NM_001320951.2, NM_001368884.1); c.718G>A, p.Glu240Lys (NM_001368883.1, NM_001368885.1, NM_080801.4 and 1 more transcripts); c.154G>A, p.Glu52Lys (NM_001368886.1); c.664G>A, p.Glu222Lys (NM_001368895.1); c.613G>A, p.Glu205Lys (NM_001368896.1, NM_001368898.1, NM_080798.4); c.640G>A, p.Glu214Lys (NM_001368897.1); and 2 more; short protein forms E205K, E214K, E240K, E243K, E262K, E52K, E211K, E222K.
Identifiers: ClinVar variation 781674 (VCV000781674.36), dbSNP rs41277962, ClinGen allele CA5534437.

ClinVar aggregate classification (germline): Benign. Review status: criteria provided, multiple submitters, no conflicts (2 of 4 stars). 5 submissions from 5 submitters: Benign (4). 1 of the submissions does not count toward it. Last evaluated 2026-06-01.

Conditions:
COL13A1-related disorder. Also called: COL13A1-related condition.

Allele frequency attached by ClinVar (database versions not stated): 1000 Genomes Project 0.00260; 1000 Genomes Project 30x 0.00328; ExAC 0.00556; TOPMed 0.00558; gnomAD exomes 0.00562 and 0.00970; ESP Exome Variant Server 0.00575; gnomAD 0.00682 and 0.00702.
gnomAD v4.1: 14,390 of 1,549,824 alleles (0.93%); highest among the groups gnomAD compares: Non-Finnish European, 1.1%; 97 homozygotes.

Submissions (5):

CeGaT Center for Human Genetics Tuebingen
Classification: Benign. Last evaluated: 2026-06-01. Review status: criteria provided, single submitter. Criteria: CeGaT Center For Human Genetics Tuebingen Variant Classification Criteria Version 2. Collection method: clinical testing. Allele origin: germline. Affected: yes. Observed: 12 variant alleles.
Comment: COL13A1: BS1, BS2

Labcorp Genetics (formerly Invitae), Labcorp
Classification: Benign. Last evaluated: 2026-01-27. Review status: criteria provided, single submitter. Criteria: Invitae Variant Classification Sherloc (09022015). Collection method: clinical testing. Allele origin: germline.

Mayo Clinic Laboratories, Mayo Clinic
Classification: Benign. Last evaluated: 2023-04-11. Review status: criteria provided, single submitter. Criteria: ACMG Guidelines, 2015. Collection method: clinical testing. Allele origin: germline. Observed: 7 variant alleles.
Comment: BS1, BS2

Breakthrough Genomics
Classification: Benign. Review status: criteria provided, single submitter. Criteria: ACMG Guidelines, 2015. Collection method: not provided. Allele origin: germline. Inheritance: Autosomal recessive inheritance. Affected: yes.

PreventionGenetics, part of Exact Sciences
Classification: Benign for COL13A1-related condition. Last evaluated: 2019-02-21. Review status: no assertion criteria provided. Collection method: clinical testing. Allele origin: germline. Not counted in ClinVar's aggregate classification.
Comment: This variant is classified as benign based on ACMG/AMP sequence variant interpretation guidelines (Richards et al. 2015 PMID: 25741868, with internal and published modifications).